The following is an entry in ClinVar:

NM_030962.4(SBF2):c.2883G>C (p.Gln961His)

Genes: SBF2 (SET binding factor 2; minus strand), LOC101928008 (uncharacterized LOC101928008; plus strand). Cytogenetic location: 11p15.4.
Variant type: single nucleotide variant.
Coding change: c.2883G>C on transcript NM_030962.4 (MANE Select); coding-DNA position 2883, G replaced by C.
Protein change: p.Gln961His; replaces glutamine 961 with histidine.
Molecular consequence: missense variant.
Genome position (GRCh38, 1-based): chr11:9,847,007, C>G on the plus strand (G>C on the coding strand, the complement: SBF2 is on the minus strand). VCF-style: chr11-9847007-C-G. GRCh37 (hg19) VCF-style: chr11-9868554-C-G.
Other names: c.2883G>C, p.Gln961His (NM_001386339.1); c.2754G>C, p.Gln918His (NM_001386342.1); short protein forms Q961H, Q918H.
Identifiers: ClinVar variation 448237 (VCV000448237.9), dbSNP rs768147206, ClinGen allele CA5881423.
Genomic context (GRCh38, chr11:9,847,007, plus strand): 5'-TTTTAATACCTGAAAAGATGCTGATGTGATCTGCAGTCCTTCTTGCATGTTCTGCTGTAG[C>G]TGGTTCTGCATTGTAATCTTCTTCTCCTTGGTGATGGAGGCAATGGGAAAGCTCCGCACA-3'
Protein context (NP_112224.1, residues 951-971): TKEKKITMQN[Gln961His]LQQNMQEGLQ

ClinVar aggregate classification (germline): Uncertain significance. Review status: criteria provided, multiple submitters, no conflicts (2 of 4 stars). 4 submissions from 4 submitters: Uncertain significance (4). Last evaluated 2025-06-23.

Conditions:
SBF2-related disorder. Also called: SBF2-related condition.
Inborn genetic diseases. Identifiers: MedGen C0950123, MeSH D030342.
Charcot-Marie-Tooth disease type 4. Also called: Charcot-Marie-Tooth disease, type IV; Charcot-Marie-Tooth, Type 4. Identifiers: Orphanet 64749, MedGen C4082197, MONDO:0018995.

Allele frequency attached by ClinVar (database versions not stated): ExAC 0.00003; gnomAD 0.00003 and 0.00004; gnomAD exomes below 0.00001; TOPMed 0.00002.
gnomAD v4.1: 12 of 1,613,684 alleles (0.00074%); highest among the groups gnomAD compares: East Asian, 0.016%; no homozygotes.

Submissions (4):

PreventionGenetics, part of Exact Sciences
Classification: Uncertain significance for SBF2-related condition. Last evaluated: 2025-06-23. Review status: criteria provided, single submitter. Criteria: ACMG Guidelines, 2015. Collection method: clinical testing. Allele origin: germline.
Comment: The SBF2 c.2883G>C variant is predicted to result in the amino acid substitution p.Gln961His. To our knowledge, this variant has not been reported in the literature. This variant is reported in 0.040% of alleles in individuals of East Asian descent in gnomAD. At this time, the clinical significance of this variant is uncertain due to the absence of conclusive functional and genetic evidence.

Ambry Genetics
Classification: Uncertain significance for Inborn genetic diseases. Last evaluated: 2024-11-23. Review status: criteria provided, single submitter. Criteria: Ambry Variant Classification Scheme 2023. Collection method: clinical testing. Allele origin: germline.

Labcorp Genetics (formerly Invitae), Labcorp
Classification: Uncertain significance for Charcot-Marie-Tooth disease type 4. Last evaluated: 2021-08-27. Review status: criteria provided, single submitter. Criteria: Invitae Variant Classification Sherloc (09022015). Collection method: clinical testing. Allele origin: germline.
Comment: This sequence change replaces glutamine with histidine at codon 961 of the SBF2 protein (p.Gln961His). The glutamine residue is moderately conserved and there is a small physicochemical difference between glutamine and histidine. This variant is present in population databases (rs768147206, ExAC 0.05%). This variant has not been reported in the literature in individuals affected with SBF2-related conditions. ClinVar contains an entry for this variant (Variation ID: 448237). Algorithms developed to predict the effect of missense changes on protein structure and function (SIFT, PolyPhen-2, Align-GVGD) all suggest that this variant is likely to be tolerated. In summary, the available evidence is currently insufficient to determine the role of this variant in disease. Therefore, it has been classified as a Variant of Uncertain Significance.

Athena Diagnostics
Classification: Uncertain significance. Last evaluated: 2016-11-30. Review status: criteria provided, single submitter. Criteria: Athena Diagnostics Criteria. Collection method: clinical testing. Allele origin: germline.